The following is an entry in ClinVar:

ClinVar aggregate classification (germline): Uncertain significance (1 of 4 stars; one submission).

Submission:

Labcorp Genetics (formerly Invitae), Labcorp
Classification: Uncertain significance. Last evaluated: 2025-04-23. Review status: criteria provided, single submitter. Criteria: Invitae Variant Classification Sherloc (09022015). Collection method: clinical testing. Allele origin: germline.
Comment: This variant, c.1182_1183delinsCT, is a complex sequence change that results in the deletion of 2 and insertion of 2 amino acid(s) in the TNFRSF11A protein (p.Gln394_Ser395delinsHisCys). Information on the frequency of this variant in the gnomAD database is not available, as this variant may be reported differently in the database. This variant has not been reported in the literature in individuals affected with TNFRSF11A-related conditions. ClinVar contains an entry for this variant (Variation ID: 2986367). Experimental studies and prediction algorithms are not available or were not evaluated, and the functional significance of this variant is currently unknown. In summary, the available evidence is currently insufficient to determine the role of this variant in disease. Therefore, it has been classified as a Variant of Uncertain Significance.

NM_003839.4(TNFRSF11A):c.1182_1183delinsCT (p.Gln394_Ser395delinsHisCys)

Gene: TNFRSF11A (TNF receptor superfamily member 11a; plus strand). Cytogenetic location: 18q21.33.
Variant type: Indel.
Coding change: c.1182_1183delinsCT on transcript NM_003839.4 (MANE Select); coding-DNA positions 1182 to 1183, GA replaced by CT.
Protein change: p.Gln394_Ser395delinsHisCys.
Molecular consequence: missense variant. On other transcripts: intron variant (3).
Genome position (GRCh38, 1-based): chr18:62,369,099-62,369,100, GA replaced by CT. VCF-style: chr18-62369099-GA-CT. GRCh37 (hg19) VCF-style: chr18-60036332-GA-CT.
Other names: c.783+2339_783+2340delinsCT (NM_001270949.2); c.730+7306_730+7307delinsCT (NM_001270950.2); c.616+9050_616+9051delinsCT (NM_001270951.2); c.1140_1141delinsCT, p.Gln380_Ser381delinsHisCys (NM_001278268.2).
Identifiers: ClinVar variation 2986367 (VCV002986367.3), dbSNP rs2511592679, ClinGen allele CA2740091820.